The following is an entry in ClinVar:

NM_001378615.1(CC2D2A):c.717+11T>C

Genes: CC2D2A (coiled-coil and C2 domain containing 2A; plus strand), FBXL5 (F-box and leucine rich repeat protein 5; minus strand). Cytogenetic location: 4p15.32.
Variant type: single nucleotide variant.
Coding change: c.717+11T>C on transcript NM_001378615.1 (MANE Select); 11 bases into the intron after coding-DNA position 717, T replaced by C.
Molecular consequence: intron variant.
Genome position (GRCh38, 1-based): chr4:15,511,434, T>C. VCF-style: chr4-15511434-T-C. GRCh37 (hg19) VCF-style: chr4-15513057-T-C.
Other names: c.717+11T>C (NM_001080522.2); c.570+11T>C (NM_001378617.1).
Identifiers: ClinVar variation 257393 (VCV000257393.16), dbSNP rs184351317, ClinGen allele CA2863464.
Genomic context (GRCh38, chr4:15,511,434, plus strand): 5'-AGGAAGGGGAAGAAGAAGAACCACCTGCACAAGGAGGAGGAAAGGAAATGGTATTTAATA[T>C]CAGGATGGTAATGAGGTGTGGGTGGAGGGCTAGGAGGAAAAAGCTGATGTCCCTGCAAGA-3'

ClinVar aggregate classification (germline): Conflicting classifications of pathogenicity. Review status: criteria provided, conflicting classifications (1 of 4 stars). 5 submissions from 4 submitters: Uncertain significance (1); Benign (1); Likely benign (3). Last evaluated 2026-01-06.

Conditions:
Joubert syndrome 9 (JBTS9). Identifiers: Orphanet 2318, MedGen C2676788, MONDO:0012849, OMIM 612285.
Joubert syndrome. Also called: Familial aplasia of the vermis; JOUBERT-BOLTSHAUSER SYNDROME. Identifiers: Orphanet 475, MedGen C5979921, MONDO:0018772.
Meckel-Gruber syndrome. Also called: Dysencephalia splachnocystica; DYSENCEPHALIA SPLANCHNOCYSTICA; GRUBER SYNDROME. Identifiers: Orphanet 564, MedGen C0265215, MONDO:0018921.
Meckel syndrome, type 6. Identifiers: Orphanet 564, MedGen C2676790, MONDO:0012848, OMIM 612284.

Allele frequency attached by ClinVar (database versions not stated): gnomAD exomes 0.00008 and 0.00044; gnomAD 0.00011 and 0.00017; TOPMed 0.00017; ExAC 0.00056; 1000 Genomes Project 30x 0.00094; 1000 Genomes Project 0.00100.
gnomAD v4.1: 138 of 1,524,250 alleles (0.0091%); highest among the groups gnomAD compares: East Asian, 0.24%; no homozygotes.

Submissions (5):

Labcorp Genetics (formerly Invitae), Labcorp
Classification: Benign for Joubert syndrome; Meckel-Gruber syndrome. Last evaluated: 2026-01-06. Review status: criteria provided, single submitter. Criteria: Invitae Variant Classification Sherloc (09022015). Collection method: clinical testing. Allele origin: germline.

Blueprint Genetics
Classification: Likely benign. Last evaluated: 2022-11-09. Review status: criteria provided, single submitter. Criteria: ACMG Guidelines, 2015. Collection method: clinical testing. Allele origin: germline.

Illumina Laboratory Services, Illumina
Classification: Uncertain significance for Meckel syndrome, type 6. Last evaluated: 2018-01-13. Review status: criteria provided, single submitter. Criteria: ICSL Variant Classification Criteria 13 December 2019. Collection method: clinical testing. Allele origin: germline.

Illumina Laboratory Services, Illumina
Classification: Likely benign for Joubert syndrome 9. Last evaluated: 2018-01-13. Review status: criteria provided, single submitter. Criteria: ICSL Variant Classification Criteria 13 December 2019. Collection method: clinical testing. Allele origin: germline.
Comment: This variant was observed in the ICSL laboratory as part of a predisposition screen in an ostensibly healthy population. It had not been previously curated by ICSL or reported in the Human Gene Mutation Database (HGMD: prior to June 1st, 2018), and was therefore a candidate for classification through an automated scoring system. Utilizing variant allele frequency, disease prevalence and penetrance estimates, and inheritance mode, an automated score was calculated to assess if this variant is too frequent to cause the disease. Based on the score and internal cut-off values, a variant classified as likely benign is not then subjected to further curation. The score for this variant resulted in a classification of likely benign for this disease.

PreventionGenetics, part of Exact Sciences
Classification: Likely benign. Review status: criteria provided, single submitter. Criteria: ACMG Guidelines, 2015. Collection method: clinical testing. Allele origin: germline.